The following is an entry in ClinVar:

NM_000441.2(SLC26A4):c.1536_1537del (p.Arg512fs)

Gene: SLC26A4 (solute carrier family 26 member 4; plus strand). Cytogenetic location: 7q22.3.
Variant type: Microsatellite.
Coding change: c.1536_1537del on transcript NM_000441.2 (MANE Select); coding-DNA positions 1536 to 1537, 2 bases deleted (AG; older notation c.1536_1537delAG).
Protein change: p.Arg512fs; shifts the reading frame from arginine 512.
Molecular consequence: frameshift variant.
Genome position (GRCh38, 1-based): chr7:107,696,031-107,696,032, AG deleted; deleting any 2 consecutive bases within chr7:107,696,028-107,696,032 gives the same sequence; the c. name uses the placement nearest the transcript's 3' end. VCF-style (leftmost placement, unchanged base first): chr7-107696027-TGA-T. GRCh37 (hg19) VCF-style: chr7-107336472-TGA-T.
Other names: c.1536_1537delAG (NM_000441.1); short protein forms R512fs.
Identifiers: ClinVar variation 2678907 (VCV002678907.7), dbSNP rs1435734312, ClinGen allele CA831183576.

ClinVar aggregate classification (germline): Pathogenic. Review status: criteria provided, multiple submitters, no conflicts (2 of 4 stars). 4 submissions from 4 submitters: Pathogenic (4). Last evaluated 2025-10-17.

Conditions:
Autosomal recessive nonsyndromic hearing loss 4 (DFNB4). Also called: FOXI1-Related Pendred Syndrome; KCNJ10-Related Pendred Syndrome; DEAFNESS, AUTOSOMAL RECESSIVE 4, WITH ENLARGED VESTIBULAR AQUEDUCT, DIGENIC; NEUROSENSORY NONSYNDROMIC RECESSIVE DEAFNESS 4; Deafness, autosomal recessive 4, with enlarged vestibular aqueduct; Nonsyndromic enlarged vestibular aqueduct (NSEVA). Identifiers: Orphanet 90636, MedGen C3538946, MONDO:0010933, OMIM 600791.
Inborn genetic diseases. Identifiers: MedGen C0950123, MeSH D030342.
SLC26A4-related disorder. Also called: SLC26A4-related disorders; SLC26A4-related condition.

Submissions (4):

Ambry Genetics
Classification: Pathogenic for Inborn genetic diseases. Last evaluated: 2025-10-17. Review status: criteria provided, single submitter. Criteria: Ambry Variant Classification Scheme 2023. Collection method: clinical testing. Allele origin: germline.
Comment: The c.1536_1537delAG (p.R512Sfs*14) alteration, located in exon 13 (coding exon 12) of the SLC26A4 gene, consists of a deletion of 2 nucleotides from position 1536 to 1537, causing a translational frameshift with a predicted alternate stop codon after 14 amino acids. This alteration is expected to result in loss of function by premature protein truncation or nonsense-mediated mRNA decay. This variant was not reported in population-based cohorts in the Genome Aggregation Database (gnomAD). This variant has been identified in conjunction with other SLC26A4 variant(s) in individual(s) with features consistent with SLC26A4-related deafness (Pryor, 2005; Soh, 2015). Based on the available evidence, this alteration is classified as pathogenic.

Baylor Genetics
Classification: Pathogenic for Autosomal recessive nonsyndromic hearing loss 4. Last evaluated: 2024-03-12. Review status: criteria provided, single submitter. Criteria: ACMG Guidelines, 2015. Collection method: clinical testing. Allele origin: unknown.

Labcorp Genetics (formerly Invitae), Labcorp
Classification: Pathogenic. Last evaluated: 2023-11-17. Review status: criteria provided, single submitter. Criteria: Invitae Variant Classification Sherloc (09022015). Collection method: clinical testing. Allele origin: germline.
Comment: This sequence change creates a premature translational stop signal (p.Arg512Serfs*14) in the SLC26A4 gene. It is expected to result in an absent or disrupted protein product. Loss-of-function variants in SLC26A4 are known to be pathogenic (PMID: 16283880, 25394566, 26252218, 26445815). This variant is not present in population databases (gnomAD no frequency). This premature translational stop signal has been observed in individual(s) with Pendred syndrome (PMID: 9618167). This variant is also known as 1536–1538delAG, frameshift stop at 524. For these reasons, this variant has been classified as Pathogenic.

Blueprint Genetics
Classification: Pathogenic for SLC26A4-related disorders. Last evaluated: 2020-01-16. Review status: criteria provided, single submitter. Criteria: ACMG Guidelines, 2015. Collection method: clinical testing. Allele origin: germline. Affected: yes. Observed: 2 variant alleles.

Literature cited by the submitters: PubMed 15689455 (cited by Ambry Genetics); PubMed 25394566 (cited by Ambry Genetics and Labcorp Genetics (formerly Invitae), Labcorp); PubMed 16283880 (cited by Labcorp Genetics (formerly Invitae), Labcorp); PubMed 26252218 (cited by Labcorp Genetics (formerly Invitae), Labcorp); PubMed 26445815 (cited by Labcorp Genetics (formerly Invitae), Labcorp); PubMed 9618167 (cited by Labcorp Genetics (formerly Invitae), Labcorp).